The following is an entry in ClinVar:

NM_002880.4(RAF1):c.1867C>T (p.Pro623Ser)

Gene: RAF1 (Raf-1 proto-oncogene, serine/threonine kinase; minus strand). Cytogenetic location: 3p25.2.
Variant type: single nucleotide variant.
Coding change: c.1867C>T on transcript NM_002880.4 (MANE Select); coding-DNA position 1867, C replaced by T.
Protein change: p.Pro623Ser; replaces proline 623 with serine.
Molecular consequence: missense variant. On other transcripts: non-coding transcript variant (3).
Genome position (GRCh38, 1-based): chr3:12,584,594, G>A on the plus strand (C>T on the coding strand, the complement: RAF1 is on the minus strand). VCF-style: chr3-12584594-G-A. GRCh37 (hg19) VCF-style: chr3-12626093-G-A.
Other names: c.1927C>T, p.Pro643Ser (NM_001354689.3); c.1867C>T, p.Pro623Ser (NM_001354690.3); c.1624C>T, p.Pro542Ser (NM_001354691.3, NM_001354692.3); c.1768C>T, p.Pro590Ser (NM_001354693.3); c.1684C>T, p.Pro562Ser (NM_001354694.3); c.1525C>T, p.Pro509Ser (NM_001354695.3); short protein forms P623S, P562S, P590S, P509S, P542S, P643S.
Identifiers: ClinVar variation 393135 (VCV000393135.7), dbSNP rs373596121, ClinGen allele CA2259378.
Genomic context (GRCh38, chr3:12,584,594, plus strand): 5'-GGGACGTGGTCAGCGTGCAAGCATTGATATCCTCAGTGTGGGCTGCCCGATGCAAGGATG[G>A]CTCGGAAGCGCTCCGGTTGATCTTCGGTAGAGAGTGTTGGAGCAGCTCAATGGAAGACAG-3'
Protein context (NP_002871.1, residues 613-633): LPKINRSASE[Pro623Ser]SLHRAAHTED

ClinVar aggregate classification (germline): Uncertain significance. Review status: criteria provided, multiple submitters, no conflicts (2 of 4 stars). 3 submissions from 3 submitters: Uncertain significance (3). Last evaluated 2025-09-30.

Conditions:
LEOPARD syndrome 2 (LPRD2). Also called: RAF1-Related LEOPARD Syndrome. Identifiers: Orphanet 500, MedGen C1969056, MONDO:0012691, OMIM 611554.
Dilated cardiomyopathy 1NN. Identifiers: Orphanet 154, MedGen C4014656, MONDO:0014396, OMIM 615916.
Noonan syndrome 5 (NS5). Also called: RAF1-Related Noonan Syndrome. Identifiers: Orphanet 648, MedGen C1969057, MONDO:0012690, OMIM 611553. Disease mechanism: gain of function.
RASopathy. Also called: Noonan spectrum disorder; rasopathies. Identifiers: Orphanet 536391, MedGen C5555857, MONDO:0021060.

Allele frequency attached by ClinVar (database versions not stated): gnomAD exomes below 0.00001; TOPMed below 0.00001; ExAC 0.00001; ESP Exome Variant Server 0.00008.

Submissions (3):

Labcorp Genetics (formerly Invitae), Labcorp
Classification: Uncertain significance for RASopathy. Last evaluated: 2025-09-30. Review status: criteria provided, single submitter. Criteria: Invitae Variant Classification Sherloc (09022015). Collection method: clinical testing. Allele origin: germline.
Comment: This sequence change replaces proline, which is neutral and non-polar, with serine, which is neutral and polar, at codon 623 of the RAF1 protein (p.Pro623Ser). This variant is present in population databases (rs373596121, gnomAD 0.0009%). This variant has not been reported in the literature in individuals affected with RAF1-related conditions. ClinVar contains an entry for this variant (Variation ID: 393135). Invitae Evidence Modeling incorporating data from in vitro experimental studies (internal data) indicates that this missense variant is expected to disrupt RAF1 function with a positive predictive value of 95%. In summary, the available evidence is currently insufficient to determine the role of this variant in disease. Therefore, it has been classified as a Variant of Uncertain Significance.

Fulgent Genetics
Classification: Uncertain significance for Noonan syndrome 5; LEOPARD syndrome 2; Dilated cardiomyopathy 1NN. Last evaluated: 2021-09-20. Review status: criteria provided, single submitter. Criteria: ACMG Guidelines, 2015. Collection method: clinical testing. Allele origin: unknown.

GeneDx
Classification: Uncertain significance. Last evaluated: 2020-05-26. Review status: criteria provided, single submitter. Criteria: GeneDx Variant Classification Process June 2021. Collection method: clinical testing. Allele origin: germline. Affected: yes.
Comment: Has not been previously published as pathogenic or benign to our knowledge; In silico analysis supports that this missense variant has a deleterious effect on protein structure/function; Not observed in large population cohorts (Lek et al., 2016); The majority of missense variants in this gene are considered pathogenic (Stenson et al., 2014); Located in exon 17, which encodes part of the CR3 domain and is recognized as an important functional region by the ClinGen RASopathy Expert Panel (Gelb et al., 2018)